The following is an entry in ClinVar:

NM_003107.3(SOX4):c.234G>A (p.Met78Ile)

Gene: SOX4 (SRY-box transcription factor 4; plus strand). Cytogenetic location: 6p22.3.
Variant type: single nucleotide variant.
Coding change: c.234G>A on transcript NM_003107.3 (MANE Select); coding-DNA position 234, G replaced by A.
Protein change: p.Met78Ile; replaces methionine 78 with isoleucine.
Molecular consequence: missense variant.
Genome position (GRCh38, 1-based): chr6:21,594,768, G>A. VCF-style: chr6-21594768-G-A. GRCh37 (hg19) VCF-style: chr6-21594999-G-A.
Other names: short protein forms M78I.
Identifiers: ClinVar variation 3361605 (VCV003361605.1).
Genomic context (GRCh38, chr6:21,594,768, plus strand): 5'-CATCAAGCGACCCATGAACGCCTTCATGGTGTGGTCGCAGATCGAGCGGCGCAAGATCAT[G>A]GAGCAGTCGCCCGACATGCACAACGCCGAGATCTCCAAGCGGCTGGGCAAACGCTGGAAG-3'
Protein context (NP_003098.1, residues 68-88): VWSQIERRKI[Met78Ile]EQSPDMHNAE

ClinVar aggregate classification (germline): Uncertain significance (1 of 4 stars; one submission).

Submission:

GeneDx
Classification: Uncertain significance. Last evaluated: 2023-08-08. Review status: criteria provided, single submitter. Criteria: GeneDx Variant Classification Process June 2021. Collection method: clinical testing. Allele origin: germline. Affected: yes.
Comment: Not observed at significant frequency in large population cohorts (gnomAD); In silico analysis supports that this missense variant has a deleterious effect on protein structure/function; Has not been previously published as pathogenic or benign to our knowledge